The following is an entry in ClinVar:

NM_017763.6(RNF43):c.1951C>T (p.His651Tyr)

Gene: RNF43 (ring finger protein 43; minus strand). Cytogenetic location: 17q22.
Variant type: single nucleotide variant.
Coding change: c.1951C>T on transcript NM_017763.6 (MANE Select); coding-DNA position 1951, C replaced by T.
Protein change: p.His651Tyr; replaces histidine 651 with tyrosine.
Molecular consequence: missense variant.
Genome position (GRCh38, 1-based): chr17:58,357,825, G>A on the plus strand (C>T on the coding strand, the complement: RNF43 is on the minus strand). VCF-style: chr17-58357825-G-A. GRCh37 (hg19) VCF-style: chr17-56435186-G-A.
Other names: c.1951C>T, p.His651Tyr (NM_001305544.3); c.1570C>T, p.His524Tyr (NM_001305545.2); short protein forms H651Y, H524Y.
Identifiers: ClinVar variation 3946835 (VCV003946835.1).

ClinVar aggregate classification (germline): Uncertain significance (1 of 4 stars; one submission).

gnomAD v4.1: 2 of 1,614,218 alleles (0.00012%); highest among the groups gnomAD compares: Non-Finnish European, 0.00017%; no homozygotes.

Submission:

Ambry Genetics
Classification: Uncertain significance. Last evaluated: 2025-03-28. Review status: criteria provided, single submitter. Criteria: Ambry Variant Classification Scheme 2023. Collection method: clinical testing. Allele origin: germline.
Comment: The p.H651Y variant (also known as c.1951C>T), located in coding exon 8 of the RNF43 gene, results from a C to T substitution at nucleotide position 1951. The histidine at codon 651 is replaced by tyrosine, an amino acid with similar properties. This amino acid position is conserved. In addition, this alteration is predicted to be tolerated by in silico analysis. Based on the available evidence, the clinical significance of this variant remains unclear.